The following is an entry in ClinVar:

NM_172245.4(CSF2RA):c.83G>C (p.Arg28Pro)

Gene: CSF2RA (colony stimulating factor 2 receptor subunit alpha; plus strand). Cytogenetic location: Xp22.33.
Variant type: single nucleotide variant.
Coding change: c.83G>C on transcript NM_172245.4 (MANE Select); coding-DNA position 83, G replaced by C.
Protein change: p.Arg28Pro; replaces arginine 28 with proline.
Molecular consequence: missense variant. On other transcripts: non-coding transcript variant (1), intron variant (1).
Genome position (GRCh38, 1-based): chrX:1,285,784, G>C. VCF-style: chrX-1285784-G-C. GRCh37 (hg19) VCF-style: chrX-1404677-G-C.
Other names: c.83G>C, p.Arg28Pro (NM_001161529.2, NM_001161530.2, NM_001161531.2 and 20 more transcripts); c.-180-2735G>C (NM_001161532.2); short protein forms R28P.
Identifiers: ClinVar variation 969492 (VCV000969492.9), dbSNP rs764272709, ClinGen allele CA412234509.
Genomic context (GRCh38, chrX:1,285,784, plus strand): 5'-AAAAAAAAGGAAAAGAAAAGAGGAAATTCTGAACCCAGTGCCCGCTCCTTGCAGATCTGC[G>C]AACAGTGGCACCAGCCTCTAGTCTCAATGTGAGGTTTGACTCCAGGACGATGAATTTAAG-3'
Protein context (NP_758448.1, residues 18-38): FLLIPEKSDL[Arg28Pro]TVAPASSLNV

ClinVar aggregate classification (germline): Uncertain significance (1 of 4 stars; one submission).

Conditions:
Surfactant metabolism dysfunction, pulmonary, 4 (SMDP4). Also called: PULMONARY ALVEOLAR PROTEINOSIS, CONGENITAL, 4; CSF2RA DEFICIENCY; PAP DUE TO CSF2RA DEFICIENCY. Identifiers: Orphanet 264675, MedGen C2677877, MONDO:0010424, OMIM 300770.

Allele frequency attached by ClinVar (database versions not stated): TOPMed 0.00003.
gnomAD v4.1: 14 of 1,607,346 alleles (0.00087%); highest among the groups gnomAD compares: Admixed American, 0.0084%; no homozygotes.

Submission:

Labcorp Genetics (formerly Invitae), Labcorp
Classification: Uncertain significance for Surfactant metabolism dysfunction, pulmonary, 4. Last evaluated: 2024-10-26. Review status: criteria provided, single submitter. Criteria: Invitae Variant Classification Sherloc (09022015). Collection method: clinical testing. Allele origin: germline.
Comment: This sequence change replaces arginine, which is basic and polar, with proline, which is neutral and non-polar, at codon 28 of the CSF2RA protein (p.Arg28Pro). This variant is present in population databases (no rsID available, gnomAD 0.003%). This variant has not been reported in the literature in individuals affected with CSF2RA-related conditions. ClinVar contains an entry for this variant (Variation ID: 969492). Invitae Evidence Modeling of protein sequence and biophysical properties (such as structural, functional, and spatial information, amino acid conservation, physicochemical variation, residue mobility, and thermodynamic stability) indicates that this missense variant is not expected to disrupt CSF2RA protein function with a negative predictive value of 80%. In summary, the available evidence is currently insufficient to determine the role of this variant in disease. Therefore, it has been classified as a Variant of Uncertain Significance.